The following is an entry in ClinVar:

ClinVar aggregate classification (germline): Conflicting classifications of pathogenicity. Review status: criteria provided, conflicting classifications (1 of 4 stars). 2 submissions from 2 submitters: Uncertain significance (1); Likely benign (1). Last evaluated 2026-04-13.

Conditions:
Hereditary cancer-predisposing syndrome. Also called: Hereditary Cancer Syndrome; Neoplastic Syndromes, Hereditary; Tumor predisposition; Hereditary neoplastic syndrome. Identifiers: Orphanet 140162, MedGen C0027672, MeSH D009386, MONDO:0015356.
Tuberous sclerosis 1 (TSC1). Identifiers: Orphanet 805, MedGen C1854465, MONDO:0008612, OMIM 191100.

Allele frequency attached by ClinVar (database versions not stated): gnomAD exomes below 0.00001.
gnomAD v4.1: 1 of 1,614,194 alleles (0.000062%); highest among the groups gnomAD compares: South Asian, 0.0011%; no homozygotes.

Submissions (2):

Ambry Genetics
Classification: Likely benign for Hereditary cancer-predisposing syndrome. Last evaluated: 2026-04-13. Review status: criteria provided, single submitter. Criteria: Ambry Variant Classification Scheme 2023. Collection method: clinical testing. Allele origin: germline.

Labcorp Genetics (formerly Invitae), Labcorp
Classification: Uncertain significance for Tuberous sclerosis 1. Last evaluated: 2022-01-28. Review status: criteria provided, single submitter. Criteria: Invitae Variant Classification Sherloc (09022015). Collection method: clinical testing. Allele origin: germline.
Comment: In summary, the available evidence is currently insufficient to determine the role of this variant in disease. Therefore, it has been classified as a Variant of Uncertain Significance. Algorithms developed to predict the effect of missense changes on protein structure and function (SIFT, PolyPhen-2, Align-GVGD) all suggest that this variant is likely to be tolerated. ClinVar contains an entry for this variant (Variation ID: 959615). This variant has not been reported in the literature in individuals affected with TSC1-related conditions. This variant is not present in population databases (gnomAD no frequency). This sequence change replaces threonine, which is neutral and polar, with isoleucine, which is neutral and non-polar, at codon 1144 of the TSC1 protein (p.Thr1144Ile).

NM_000368.5(TSC1):c.3431C>T (p.Thr1144Ile)

Gene: TSC1 (TSC complex subunit 1; minus strand). Cytogenetic location: 9q34.13.
Variant type: single nucleotide variant.
Coding change: c.3431C>T on transcript NM_000368.5 (MANE Select); coding-DNA position 3431, C replaced by T.
Protein change: p.Thr1144Ile; replaces threonine 1144 with isoleucine.
Molecular consequence: missense variant.
Genome position (GRCh38, 1-based): chr9:132,896,299, G>A on the plus strand (C>T on the coding strand, the complement: TSC1 is on the minus strand). VCF-style: chr9-132896299-G-A. GRCh37 (hg19) VCF-style: chr9-135771686-G-A.
Other names: c.3428C>T, p.Thr1143Ile (NM_001162426.2); c.3278C>T, p.Thr1093Ile (NM_001162427.2); c.3068C>T, p.Thr1023Ile (NM_001362177.2); short protein forms T1023I, T1144I, T1093I, T1143I.
Identifiers: ClinVar variation 959615 (VCV000959615.11), dbSNP rs1845027394, ClinGen allele CA375366389.